The following is an entry in ClinVar:

NM_006648.4(WNK2):c.4860G>C (p.Gln1620His)

Gene: WNK2 (WNK lysine deficient protein kinase 2; plus strand). Cytogenetic location: 9q22.31.
Variant type: single nucleotide variant.
Coding change: c.4860G>C on transcript NM_006648.4 (MANE Select); coding-DNA position 4860, G replaced by C.
Protein change: p.Gln1620His; replaces glutamine 1620 with histidine.
Molecular consequence: missense variant.
Genome position (GRCh38, 1-based): chr9:93,289,614, G>C. VCF-style: chr9-93289614-G-C. GRCh37 (hg19) VCF-style: chr9-96051896-G-C.
Other names: c.4971G>C, p.Gln1657His (NM_001282394.3); short protein forms Q1620H, Q1657H.
Identifiers: ClinVar variation 4844856 (VCV004844856.1).

ClinVar aggregate classification (germline): Uncertain significance (1 of 4 stars; one submission).

Submission:

Ambry Genetics
Classification: Uncertain significance. Last evaluated: 2026-01-18. Review status: criteria provided, single submitter. Criteria: Ambry Variant Classification Scheme 2023. Collection method: clinical testing. Allele origin: germline.
Comment: The p.Q1620H variant (also known as c.4860G>C), located in coding exon 19 of the WNK2 gene, results from a G to C substitution at nucleotide position 4860. The glutamine at codon 1620 is replaced by histidine, an amino acid with highly similar properties. This amino acid position is conserved. In addition, this alteration is predicted to be tolerated by in silico analysis. Based on the available evidence, the clinical significance of this variant remains unclear.